The following is an entry in ClinVar:

ClinVar aggregate classification (germline): Likely benign. Review status: criteria provided, multiple submitters, no conflicts (2 of 4 stars). 3 submissions from 3 submitters: Likely benign (3). Last evaluated 2025-01-02.

Allele frequency attached by ClinVar (database versions not stated): 1000 Genomes Project 0.00619; ESP Exome Variant Server 0.00900; 1000 Genomes Project 30x 0.00640; TOPMed 0.00916.

Submissions (3):

Athena Diagnostics
Classification: Likely benign. Last evaluated: 2025-01-02. Review status: criteria provided, single submitter. Criteria: Athena Diagnostics Criteria. Collection method: clinical testing. Allele origin: unknown.
Comment: Computational tools yielded predictions that this variant is unlikely to have an effect on normal RNA splicing. This nucleotide position exhibits low evolutionary conservation.

Breakthrough Genomics
Classification: Likely benign. Review status: criteria provided, single submitter. Criteria: ACMG Guidelines, 2015. Collection method: not provided. Allele origin: germline. Inheritance: Autosomal recessive inheritance. Affected: yes.

PreventionGenetics, part of Exact Sciences
Classification: Likely benign. Review status: criteria provided, single submitter. Criteria: ACMG Guidelines, 2015. Collection method: clinical testing. Allele origin: germline.

Literature cited by the submitters: PubMed 16487445 (cited by Athena Diagnostics).

NM_000500.9(CYP21A2):c.318G>A (p.Pro106=)

Genes: CYP21A2 (cytochrome P450 family 21 subfamily A member 2; plus strand), LOC106780800 (CYP21A2 recombination region; plus strand). Cytogenetic location: 6p21.33.
Variant type: single nucleotide variant.
Coding change: c.318G>A on transcript NM_000500.9 (MANE Select); coding-DNA position 318, G replaced by A.
Protein change: p.Pro106=; no amino-acid change (proline 106 retained).
Molecular consequence: synonymous variant. On other transcripts: 5 prime UTR variant (2).
Genome position (GRCh38, 1-based): chr6:32,039,119, G>A. VCF-style: chr6-32039119-G-A. GRCh37 (hg19) VCF-style: chr6-32006896-G-A.
Other names: c.228G>A, p.Pro76= (NM_001128590.4); c.-88G>A (NM_001368143.2, NM_001368144.2).
Identifiers: ClinVar variation 256292 (VCV000256292.7), dbSNP rs6455, ClinGen allele CA3732366.